The following is an entry in ClinVar:

ClinVar aggregate classification (germline): Uncertain significance (1 of 4 stars; one submission).

gnomAD v4.1: 4 of 1,546,254 alleles (0.00026%); highest among the groups gnomAD compares: Non-Finnish European, 0.00035%; no homozygotes.

Submission:

Labcorp Genetics (formerly Invitae), Labcorp
Classification: Uncertain significance. Last evaluated: 2025-10-19. Review status: criteria provided, single submitter. Criteria: Invitae Variant Classification Sherloc (09022015). Collection method: clinical testing. Allele origin: germline.
Comment: This sequence change affects codon 17 of the PPP1CB mRNA. It is a 'silent' change, meaning that it does not change the encoded amino acid sequence of the PPP1CB protein. It affects a nucleotide within the consensus splice site. This variant is not present in population databases (gnomAD no frequency). This variant has not been reported in the literature in individuals affected with PPP1CB-related conditions. Algorithms developed to predict the effect of sequence changes on RNA splicing suggest that this variant is not likely to affect RNA splicing. In summary, the available evidence is currently insufficient to determine the role of this variant in disease. Therefore, it has been classified as a Variant of Uncertain Significance.

NM_002709.3(PPP1CB):c.51G>A (p.Glu17=)

Gene: PPP1CB (protein phosphatase 1 catalytic subunit beta; plus strand). Cytogenetic location: 2p23.2.
Variant type: single nucleotide variant.
Coding change: c.51G>A on transcript NM_002709.3 (MANE Select); coding-DNA position 51, G replaced by A.
Protein change: p.Glu17=; no amino-acid change (glutamic acid 17 retained).
Molecular consequence: synonymous variant.
Genome position (GRCh38, 1-based): chr2:28,752,175, G>A. VCF-style: chr2-28752175-G-A. GRCh37 (hg19) VCF-style: chr2-28975041-G-A.
Other names: c.51G>A, p.Glu17= (NM_206876.2).
Identifiers: ClinVar variation 4752468 (VCV004752468.1).